The following is an entry in ClinVar:

NM_018089.3(ANKZF1):c.950G>T (p.Gly317Val)

Gene: ANKZF1 (ankyrin repeat and zinc finger peptidyl tRNA hydrolase 1; plus strand). Cytogenetic location: 2q35.
Variant type: single nucleotide variant.
Coding change: c.950G>T on transcript NM_018089.3 (MANE Select); coding-DNA position 950, G replaced by T.
Protein change: p.Gly317Val; replaces glycine 317 with valine.
Molecular consequence: missense variant.
Genome position (GRCh38, 1-based): chr2:219,233,845, G>T. VCF-style: chr2-219233845-G-T. GRCh37 (hg19) VCF-style: chr2-220098567-G-T.
Other names: c.950G>T, p.Gly317Val (NM_001042410.2); c.320G>T, p.Gly107Val (NM_001282792.2); short protein forms G317V, G107V.
Identifiers: ClinVar variation 3631736 (VCV003631736.2).

ClinVar aggregate classification (germline): Uncertain significance (1 of 4 stars; one submission).

gnomAD v4.1: 2 of 1,613,468 alleles (0.00012%); highest among the groups gnomAD compares: Admixed American, 0.0033%; no homozygotes.

Submission:

Labcorp Genetics (formerly Invitae), Labcorp
Classification: Uncertain significance. Last evaluated: 2024-08-07. Review status: criteria provided, single submitter. Criteria: Invitae Variant Classification Sherloc (09022015). Collection method: clinical testing. Allele origin: germline.
Comment: This sequence change replaces glycine, which is neutral and non-polar, with valine, which is neutral and non-polar, at codon 317 of the ANKZF1 protein (p.Gly317Val). This variant is not present in population databases (gnomAD no frequency). This variant has not been reported in the literature in individuals affected with ANKZF1-related conditions. An algorithm developed to predict the effect of missense changes on protein structure and function (PolyPhen-2) suggests that this variant is likely to be tolerated. In summary, the available evidence is currently insufficient to determine the role of this variant in disease. Therefore, it has been classified as a Variant of Uncertain Significance.